The following is an entry in ClinVar:

NM_006506.5(RASA2):c.94C>G (p.Arg32Gly)

Genes: RASA2 (RAS p21 protein activator 2; plus strand), LOC129937686 (ATAC-STARR-seq lymphoblastoid silent region 14777; plus strand). Cytogenetic location: 3q23.
Variant type: single nucleotide variant.
Coding change: c.94C>G on transcript NM_006506.5 (MANE Select); coding-DNA position 94, C replaced by G.
Protein change: p.Arg32Gly; replaces arginine 32 with glycine.
Molecular consequence: missense variant.
Genome position (GRCh38, 1-based): chr3:141,487,177, C>G. VCF-style: chr3-141487177-C-G. GRCh37 (hg19) VCF-style: chr3-141206019-C-G.
Other names: c.94C>G, p.Arg32Gly (NM_001303245.3, NM_001303246.3); short protein forms R32G.
Identifiers: ClinVar variation 1394839 (VCV001394839.6), dbSNP rs1396381787, ClinGen allele CA354773947.

ClinVar aggregate classification (germline): Uncertain significance (1 of 4 stars; one submission).

gnomAD v4.1: 1 of 1,465,160 alleles (0.000068%); highest among the groups gnomAD compares: South Asian, 0.0013%; no homozygotes.

Submission:

Labcorp Genetics (formerly Invitae), Labcorp
Classification: Uncertain significance. Last evaluated: 2023-12-07. Review status: criteria provided, single submitter. Criteria: Invitae Variant Classification Sherloc (09022015). Collection method: clinical testing. Allele origin: germline.
Comment: This sequence change replaces arginine, which is basic and polar, with glycine, which is neutral and non-polar, at codon 32 of the RASA2 protein (p.Arg32Gly). This variant is not present in population databases (gnomAD no frequency). This variant has not been reported in the literature in individuals affected with RASA2-related conditions. ClinVar contains an entry for this variant (Variation ID: 1394839). An algorithm developed to predict the effect of missense changes on protein structure and function (PolyPhen-2) suggests that this variant is likely to be tolerated. In summary, the available evidence is currently insufficient to determine the role of this variant in disease. Therefore, it has been classified as a Variant of Uncertain Significance.